The following continues an entry in ClinVar:

NM_006019.4(TCIRG1):c.1674-1G>A

Gene: TCIRG1. ClinVar aggregate classification (germline): Pathogenic. Pathogenic (17).

Submissions 15 to 21 of 21:

Women's Health and Genetics/Laboratory Corporation of America, LabCorp
Classification: Pathogenic for Osteopetrosis. Last evaluated: 2020-07-23. Review status: criteria provided, single submitter. Criteria: LabCorp Variant Classification Summary - May 2015. Collection method: clinical testing. Allele origin: germline.
Comment: Variant summary: TCIRG1 c.1674-1G>A is located in a canonical splice-site and is predicted to affect mRNA splicing resulting in a significantly altered protein due to either exon skipping, shortening, or inclusion of intronic material. Several computational tools predict a significant impact on normal splicing: One predicts the variant abolishes a 5 splicing donor site and another predicts the variant abolishes a 3 acceptor site. Three predict the variant weakens a 3 acceptor site. At least one publication reports experimental evidence that this variant results in aberrant splicing (Frattini_2000). The variant allele was found at a frequency of 0.00016 in 251008 control chromosomes (gnomAD). This frequency is not significantly higher than expected for a pathogenic variant in TCIRG1 causing Osteopetrosis (0.00016 vs 0.0016), allowing no conclusion about variant significance. c.1674-1G>A has been reported in the literature in multiple individuals (both compound heterozygous and homozygous) affected with Osteopetrosis (e.g. Frattini_2000, Sobacchi_2001, Susani_2004). These data indicate that the variant is very likely to be associated with disease. Western blot analysis of EBV-immortalized cells from two compound heterozygous patients carrying the variant of interest and another variant showed no TCIRG1 protein expression (Frattini_2000). Six ClinVar submitters (evaluation after 2014) cite the variant as pathogenic. Based on the evidence outlined above, the variant was classified as pathogenic.

Illumina Laboratory Services, Illumina
Classification: Pathogenic for Autosomal recessive osteopetrosis 1. Last evaluated: 2018-08-22. Review status: criteria provided, single submitter. Criteria: ICSL Variant Classification Criteria 09 May 2019. Collection method: clinical testing. Allele origin: germline.
Comment: The TCIRG1 c.1674-1G>A variant occurs in a canonical splice site (acceptor) and is therefore predicted to disrupt or distort the normal gene product. The c.1674-1G>A variant has been reported in three studies in which it is found in a total of 14 individuals with osteopetrosis including at least three homozygotes and 11 compound heterozygotes (Frattini et al. 2000; Sobacchi et al. 2001; Susani et al. 2004). The c.1674-1G>A variant was absent from 520 control chromosomes and is reported at a frequency of 0.000316 in the European (non-Finnish) population of the Genome Aggregation Database. Functional studies using RT-PCR revealed that the c.1674-1G>A variant causes abnormal splicing of the TCIRG1 transcript which was not detected in normal controls (Frattini et al. 2000). Western blot analysis of the cell lysates from two compound heterozygotes did not detect the presence of any TCIRG1 protein (Frattini et al. 2000). Based on the collective evidence and potential impact of splice site variants, the c.1674-1G>A is classified as pathogenic for osteopetrosis. This variant was observed by ICSL as part of a predisposition screen in an ostensibly healthy population.

Laboratory for Molecular Medicine, Mass General Brigham Personalized Medicine
Classification: Pathogenic for Infantile malignant osteopetrosis. Last evaluated: 2015-01-15. Review status: criteria provided, single submitter. Criteria: LMM Criteria. Collection method: clinical testing. Allele origin: germline. Inheritance: Autosomal recessive inheritance. Observed: 1 variant allele. Study: CSER-MedSeq.
Comment: The c.1674-1G>A variant in TCIRG1 has been reported in 3 unrelated patients affected with autosomal recessive infantile malignant osteopetrosis. Two of the patients were compound heterozygotes and one was homozygous (Frattini 2000). The variant has further been identified in 0.02% (2/8588) of European American chromosomes and 0.02% (1/4400) of African American chromosomes by the NHLBI Exome Sequencing Project. Although this variant has been seen in the general population, its frequency is low enough to be consistent with a recessive carrier frequency. This variant occurs in the invariant region (+/- 1/2) of the splice consensus sequence and is predicted to cause altered splicing leading to an abnormal or absent protein. In summary, this variant meets our criteria to be classified as pathogenic.

PreventionGenetics, part of Exact Sciences
Classification: Pathogenic for TCIRG1-related condition. Last evaluated: 2024-07-22. Review status: no assertion criteria provided. Collection method: clinical testing. Allele origin: germline. Not counted in ClinVar's aggregate classification.
Comment: The TCIRG1 c.1674-1G>A variant is predicted to disrupt the AG splice acceptor site and interfere with normal splicing. This variant (sometimes referred to as G10106A in the literature) has been reported in the homozygous and compound heterozygous states in several individuals with autosomal recessive osteopetrosis (see for example, Frattini et al. 2000. PubMed ID: 10888887; Capo et al. 2021. PubMed ID: 31949009). In vitro RNA studies confirmed that this variant disrupts splicing which leads to frameshift and no detectable protein (Frattini et al. 2000. PubMed ID: 10888887). This variant is reported in 0.032% of alleles in individuals of European (Non-Finnish) descent in gnomAD. Variants that disrupt the consensus splice acceptor site in TCIRG1 are expected to be pathogenic. This variant is interpreted as pathogenic.

Clinical Genetics DNA and cytogenetics Diagnostics Lab, Erasmus MC, Erasmus Medical Center
Classification: Pathogenic. Review status: no assertion criteria provided. Collection method: clinical testing. Allele origin: germline. Affected: yes. Study: VKGL Data-share Consensus. Not counted in ClinVar's aggregate classification.

Dr. Peter K. Rogan Lab, Western University
No classification provided (evidence only). Condition: Clear cell carcinoma of kidney. Review status: no classification provided. Collection method: in vitro. Allele origin: not applicable. Functional consequence: retained intron. Not counted in ClinVar's aggregate classification.

Genome Diagnostics Laboratory, University Medical Center Utrecht
Classification: Likely pathogenic. Review status: no assertion criteria provided. Collection method: clinical testing. Allele origin: germline. Affected: yes. Study: VKGL Data-share Consensus. Not counted in ClinVar's aggregate classification.

Literature cited by the submitters: PubMed 10888887 (cited by 9 submitters); PubMed 15300850 (cited by 6 submitters); PubMed 30898715 (cited by Natera, Inc. and AiLife Diagnostics); PubMed 31949009 (cited by Natera, Inc. and AiLife Diagnostics); PubMed 31589614 (cited by AiLife Diagnostics); PubMed 24753205 (cited by AiLife Diagnostics); PubMed 29431110 (cited by AiLife Diagnostics); PubMed 25525159 (cited by AiLife Diagnostics); PubMed 11532986 (cited by 3 submitters); PubMed 19507210 (cited by Genomics Facility, Ludwig-Maximilians-Universität München).